The following is an entry in ClinVar:

ClinVar aggregate classification (germline): Uncertain significance (1 of 4 stars; one submission).

gnomAD v4.1: 23 of 1,613,394 alleles (0.0014%); highest among the groups gnomAD compares: Non-Finnish European, 0.0019%; no homozygotes.

Submission:

GeneDx
Classification: Uncertain significance. Last evaluated: 2024-07-23. Review status: criteria provided, single submitter. Criteria: GeneDx Variant Classification Process June 2021. Collection method: clinical testing. Allele origin: germline. Affected: yes.
Comment: Not observed at significant frequency in large population cohorts (gnomAD); In silico analysis supports that this missense variant has a deleterious effect on protein structure/function; Has not been previously published as pathogenic or benign to our knowledge

NM_001277062.2(MFF):c.242C>T (p.Pro81Leu)

Gene: MFF (mitochondrial fission factor; plus strand). Cytogenetic location: 2q36.3.
Variant type: single nucleotide variant.
Coding change: c.242C>T on transcript NM_001277062.2 (MANE Select); coding-DNA position 242, C replaced by T.
Protein change: p.Pro81Leu; replaces proline 81 with leucine.
Molecular consequence: missense variant. On other transcripts: non-coding transcript variant (1).
Genome position (GRCh38, 1-based): chr2:227,332,479, C>T. VCF-style: chr2-227332479-C-T. GRCh37 (hg19) VCF-style: chr2-228197195-C-T.
Other names: c.320C>T, p.Pro107Leu (NM_001277061.2, NM_020194.5); c.242C>T, p.Pro81Leu (NM_001277063.2, NM_001277064.2, NM_001277065.2 and 2 more transcripts); c.92C>T, p.Pro31Leu (NM_001277067.1); short protein forms P107L, P31L, P81L.
Identifiers: ClinVar variation 3600788 (VCV003600788.1).